The following is an entry in ClinVar:

ClinVar aggregate classification (germline): Likely pathogenic (1 of 4 stars; one submission).

Conditions:
Muscular dystrophy, limb-girdle, autosomal recessive 23. Identifiers: Orphanet 565837, MedGen C4748327, MONDO:0029136, OMIM 618138.

Submission:

Institute for Molecular Bioscience, The University of Queensland
Classification: Likely pathogenic for Muscular dystrophy, limb-girdle, autosomal recessive 23. Last evaluated: 2021-12-02. Review status: criteria provided, single submitter. Criteria: ACMG. Collection method: clinical testing. Allele origin: biparental. Inheritance: Autosomal recessive inheritance. Affected: yes. Observed: 2 variant alleles.

NM_000426.4(LAMA2):c.2906G>A (p.Cys969Tyr)

Gene: LAMA2 (laminin subunit alpha 2; plus strand). Cytogenetic location: 6q22.33.
Variant type: single nucleotide variant.
Coding change: c.2906G>A on transcript NM_000426.4 (MANE Select); coding-DNA position 2906, G replaced by A.
Protein change: p.Cys969Tyr; replaces cysteine 969 with tyrosine.
Molecular consequence: missense variant.
Genome position (GRCh38, 1-based): chr6:129,297,734, G>A. VCF-style: chr6-129297734-G-A. GRCh37 (hg19) VCF-style: chr6-129618879-G-A.
Other names: c.2906G>A, p.Cys969Tyr (NM_001079823.2); short protein forms C969Y.
Identifiers: ClinVar variation 1693116 (VCV001693116.1), dbSNP rs2114451064, ClinGen allele CA365611004.
Genomic context (GRCh38, chr6:129,297,734, plus strand): 5'-TCCATTGCCAGGCTGGGACCTTTGGCCTACAATCAGCAAGGGGCTGTGTTCCCTGCAACT[G>A]CAATTCTTTTGGGTCTAAGTCATTCGACTGTGAAGAGAGTGGACAATGTTGGTGCCAACC-3'
Protein context (NP_000417.3, residues 959-979): QSARGCVPCN[Cys969Tyr]NSFGSKSFDC